The following is an entry in ClinVar:

ClinVar aggregate classification (germline): Uncertain significance (1 of 4 stars; one submission).

Conditions:
Hereditary cancer-predisposing syndrome. Also called: Neoplastic Syndromes, Hereditary; Tumor predisposition; Hereditary neoplastic syndrome; Hereditary Cancer Syndrome. Identifiers: Orphanet 140162, MedGen C0027672, MeSH D009386, MONDO:0015356.

gnomAD v4.1: 1 of 1,613,988 alleles (0.000062%); highest among the groups gnomAD compares: East Asian, 0.0022%; no homozygotes.

Submission:

Ambry Genetics
Classification: Uncertain significance for Hereditary cancer-predisposing syndrome. Last evaluated: 2022-12-12. Review status: criteria provided, single submitter. Criteria: Ambry Variant Classification Scheme 2023. Collection method: clinical testing. Allele origin: germline.
Comment: The p.V1180L variant (also known as c.3538G>C), located in coding exon 17 of the BLM gene, results from a G to C substitution at nucleotide position 3538. The valine at codon 1180 is replaced by leucine, an amino acid with highly similar properties. This amino acid position is conserved. In addition, this alteration is predicted to be tolerated by in silico analysis. Since supporting evidence is limited at this time, the clinical significance of this alteration remains unclear.

NM_000057.4(BLM):c.3538G>C (p.Val1180Leu)

Gene: BLM (BLM RecQ like helicase; plus strand). Cytogenetic location: 15q26.1.
Variant type: single nucleotide variant.
Coding change: c.3538G>C on transcript NM_000057.4 (MANE Select); coding-DNA position 3538, G replaced by C.
Protein change: p.Val1180Leu; replaces valine 1180 with leucine.
Molecular consequence: missense variant. On other transcripts: intron variant (1).
Genome position (GRCh38, 1-based): chr15:90,803,700, G>C. VCF-style: chr15-90803700-G-C. GRCh37 (hg19) VCF-style: chr15-91346930-G-C.
Other names: c.3538G>C, p.Val1180Leu (NM_001287246.2); c.2413G>C, p.Val805Leu (NM_001287248.2); c.3358+5363G>C (NM_001287247.2); short protein forms V1180L, V805L.
Identifiers: ClinVar variation 2452540 (VCV002452540.2), dbSNP rs1324479116, ClinGen allele CA393847820.